The following is an entry in ClinVar:

NC_000007.13:g.(?_16131310)_(16131434_?)dup

Gene: CRPPA (CDP-L-ribitol pyrophosphorylase A; minus strand). Cytogenetic location: 7p21.2.
Variant type: Duplication.
Identifiers: ClinVar variation 1680625 (VCV001680625.5).

ClinVar aggregate classification (germline): Uncertain significance (1 of 4 stars; one submission).

Conditions:
Muscular dystrophy-dystroglycanopathy (congenital with brain and eye anomalies), type A, 7. Also called: WALKER-WARBURG SYNDROME OR MUSCLE-EYE-BRAIN DISEASE, ISPD-RELATED; Congenital muscular dystrophy-dystroglycanopathy with brain and eye anomalies, type A7. Identifiers: Orphanet 899, MedGen C3553330, MONDO:0013835, OMIM 614643.
Autosomal recessive limb-girdle muscular dystrophy type 2U. Also called: Muscular dystrophy-dystroglycanopathy (limb-girdle), type c, 7; MUSCULAR DYSTROPHY, LIMB-GIRDLE, TYPE 2U. Identifiers: Orphanet 352479, MedGen C5190987, MONDO:0014474, OMIM 616052.

Submission:

Labcorp Genetics (formerly Invitae), Labcorp
Classification: Uncertain significance for Muscular dystrophy-dystroglycanopathy (congenital with brain and eye anomalies), type A, 7; Autosomal recessive limb-girdle muscular dystrophy type 2U. Last evaluated: 2020-10-26. Review status: criteria provided, single submitter. Criteria: Invitae Variant Classification Sherloc (09022015). Collection method: clinical testing. Allele origin: germline.
Comment: In summary, the available evidence is currently insufficient to determine the role of this variant in disease. Therefore, it has been classified as a Variant of Uncertain Significance. Experimental studies and prediction algorithms are not available or were not evaluated, and the functional significance of this variant is currently unknown. This variant has not been reported in the literature in individuals with ISPD-related conditions. This variant results in a copy number gain of the genomic region encompassing exon(s) 10 of the ISPD gene. The 5' boundary is likely confined to intron 9. The 3' end of this event is unknown as it extends beyond the assayed region for this gene and therefore may encompass additional genes. As the precise location of this event is unknown, it may be in tandem or it may be located elsewhere in the genome.